The following is an entry in ClinVar:

NM_025193.4(HSD3B7):c.689A>G (p.Tyr230Cys)

Gene: HSD3B7 (hydroxy-delta-5-steroid dehydrogenase, 3 beta- and steroid delta-isomerase 7; plus strand). Cytogenetic location: 16p11.2.
Variant type: single nucleotide variant.
Coding change: c.689A>G on transcript NM_025193.4 (MANE Select); coding-DNA position 689, A replaced by G.
Protein change: p.Tyr230Cys; replaces tyrosine 230 with cysteine.
Molecular consequence: missense variant. On other transcripts: intron variant (2).
Genome position (GRCh38, 1-based): chr16:30,986,997, A>G. VCF-style: chr16-30986997-A-G. GRCh37 (hg19) VCF-style: chr16-30998318-A-G.
Other names: c.531+293A>G (NM_001142777.2, NM_001142778.2); short protein forms Y230C.
Identifiers: ClinVar variation 1339161 (VCV001339161.2), dbSNP rs1020519659, ClinGen allele CA280562355.

ClinVar aggregate classification (germline): Uncertain significance (1 of 4 stars; one submission).

Conditions:
Congenital bile acid synthesis defect 1 (CBAS1). Also called: 3-BETA-HYDROXY-DELTA-5-C27-STEROID OXIDOREDUCTASE DEFICIENCY. Identifiers: Orphanet 79301, MedGen C1843116, MONDO:0011906, OMIM 607765.

Allele frequency attached by ClinVar (database versions not stated): gnomAD 0.00001; gnomAD exomes 0.00001; TOPMed 0.00001.
gnomAD v4.1: 9 of 1,610,458 alleles (0.00056%); highest among the groups gnomAD compares: South Asian, 0.0077%; no homozygotes.

Submission:

Neuberg Centre For Genomic Medicine, NCGM
Classification: Uncertain significance for Congenital bile acid synthesis defect 1. Review status: criteria provided, single submitter. Criteria: ACMG Guidelines, 2015. Collection method: clinical testing. Allele origin: germline. Affected: yes.
Comment: The missense variant p.Y230C in HSD3B7 (NM_025193.3) has been reported in compound heterozygous state with another missense variant in a patient evaluated for bile acid synthesis disorders (Al-Hussaini AA et al,2017). Functional analysis has not been performed for the variant. The p.Y230C variant is observed in 2/30,500 (0.0066%) alleles from individuals of South Asian background in gnomAD Exomes and is novel (not in any individuals) in 1000 Genomes. The p.Y230C missense variant is predicted to be damaging by both SIFT and PolyPhen2. The tyrosine residue at codon 230 of HSD3B7 is conserved in all mammalian species. The nucleotide c.689 in HSD3B7 is predicted conserved by GERP++ and PhyloP across 100 vertebrates. Since the variant has been previously reported in a patient with a similar presentation and has been detected in both affected individuals in this family, it has been classified as Uncertain Significance.